The following is an entry in ClinVar:

NM_003901.4(SGPL1):c.32C>T (p.Ala11Val)

Gene: SGPL1 (sphingosine-1-phosphate lyase 1; plus strand). Cytogenetic location: 10q22.1.
Variant type: single nucleotide variant.
Coding change: c.32C>T on transcript NM_003901.4 (MANE Select); coding-DNA position 32, C replaced by T.
Protein change: p.Ala11Val; replaces alanine 11 with valine.
Molecular consequence: missense variant.
Genome position (GRCh38, 1-based): chr10:70,844,477, C>T. VCF-style: chr10-70844477-C-T. GRCh37 (hg19) VCF-style: chr10-72604234-C-T.
Other names: short protein forms A11V.
Identifiers: ClinVar variation 2415738 (VCV002415738.4), dbSNP rs1170734134, ClinGen allele CA377112761.

ClinVar aggregate classification (germline): Uncertain significance (1 of 4 stars; one submission).

Allele frequency attached by ClinVar (database versions not stated): gnomAD exomes below 0.00001; TOPMed 0.00001; gnomAD 0.00002.
gnomAD v4.1: 5 of 1,612,964 alleles (0.00031%); highest among the groups gnomAD compares: African/African-American, 0.0027%; no homozygotes.

Submission:

Labcorp Genetics (formerly Invitae), Labcorp
Classification: Uncertain significance. Last evaluated: 2022-05-25. Review status: criteria provided, single submitter. Criteria: Invitae Variant Classification Sherloc (09022015). Collection method: clinical testing. Allele origin: germline.
Comment: In summary, the available evidence is currently insufficient to determine the role of this variant in disease. Therefore, it has been classified as a Variant of Uncertain Significance. Algorithms developed to predict the effect of missense changes on protein structure and function output the following: SIFT: "Tolerated"; PolyPhen-2: "Benign"; Align-GVGD: "Class C0". The valine amino acid residue is found in multiple mammalian species, which suggests that this missense change does not adversely affect protein function. This variant has not been reported in the literature in individuals affected with SGPL1-related conditions. This variant is present in population databases (no rsID available, gnomAD 0.008%). This sequence change replaces alanine, which is neutral and non-polar, with valine, which is neutral and non-polar, at codon 11 of the SGPL1 protein (p.Ala11Val).